The following is an entry in ClinVar:

NM_006767.4(LZTR1):c.1685_1702del (p.Leu562_Arg567del)

Gene: LZTR1 (leucine zipper like post translational regulator 1; plus strand). Cytogenetic location: 22q11.21.
Variant type: Deletion.
Coding change: c.1685_1702del on transcript NM_006767.4 (MANE Select); coding-DNA positions 1685 to 1702, 18 bases deleted (TGGAGCAGCTGTGCCGCC).
Protein change: p.Leu562_Arg567del.
Molecular consequence: inframe deletion.
Genome position (GRCh38, 1-based): chr22:20,994,627-20,994,644, TGGAGCAGCTGTGCCGCC deleted; deleting any 18 consecutive bases within chr22:20,994,618-20,994,644 gives the same sequence; the c. name uses the placement nearest the transcript's 3' end. VCF-style (leftmost placement, unchanged base first): chr22-20994617-TTGTGCCGCCTGGAGCAGC-T. GRCh37 (hg19) VCF-style: chr22-21348906-TTGTGCCGCCTGGAGCAGC-T.
Identifiers: ClinVar variation 1777976 (VCV001777976.2), dbSNP rs1924752851, ClinGen allele CA2577656246.
Genomic context (GRCh38, chr22:20,994,617, plus strand): 5'-GGCCATGTGGAGGATGTGCTGCTCATCATGGATGTGTACAAACTGGCACTGAGCTTCCAG[TTGTGCCGCCTGGAGCAGC>T]TGTGCCGCCAGTACATCGAGGCCTCCGTGGACCTGCAGAACGTGCTGGTTGTGTGCGAGA-3'

ClinVar aggregate classification (germline): Uncertain significance (1 of 4 stars; one submission).

Conditions:
Cardiovascular phenotype. Identifiers: MedGen CN230736.
Hereditary cancer-predisposing syndrome. Also called: Neoplastic Syndromes, Hereditary; Tumor predisposition; Hereditary Cancer Syndrome; Hereditary neoplastic syndrome. Identifiers: Orphanet 140162, MedGen C0027672, MeSH D009386, MONDO:0015356.

Submission:

Ambry Genetics
Classification: Uncertain significance for Cardiovascular phenotype; Hereditary cancer-predisposing syndrome. Last evaluated: 2022-09-29. Review status: criteria provided, single submitter. Criteria: Ambry Variant Classification Scheme 2023. Collection method: clinical testing. Allele origin: germline.
Comment: The c.1685_1702del18 variant (also known as p.L562_R567del) is located in coding exon 15 of the LZTR1 gene. This variant results from an in-frame TGGAGCAGCTGTGCCGCC deletion at nucleotide positions 1685 to 1702. This results in the in-frame deletion of a LEQLCR at codons 562 to 567. This amino acid region is highly conserved through mammals but not in all available vertebrate species. In addition, this alteration is predicted to be deleterious by in silico analysis (Choi Y et al. PLoS ONE. 2012; 7(10):e46688). Since supporting evidence is limited at this time, the clinical significance of this alteration remains unclear.